The following is an entry in ClinVar:

ClinVar aggregate classification (germline): Uncertain significance (1 of 4 stars; one submission).

gnomAD v4.1: 1 of 1,612,970 alleles (0.000062%); highest among the groups gnomAD compares: Non-Finnish European, 0.000085%; no homozygotes.

Submission:

Labcorp Genetics (formerly Invitae), Labcorp
Classification: Uncertain significance. Last evaluated: 2024-10-16. Review status: criteria provided, single submitter. Criteria: Invitae Variant Classification Sherloc (09022015). Collection method: clinical testing. Allele origin: germline.
Comment: This sequence change replaces phenylalanine, which is neutral and non-polar, with leucine, which is neutral and non-polar, at codon 242 of the MIPEP protein (p.Phe242Leu). This variant is not present in population databases (gnomAD no frequency). This variant has not been reported in the literature in individuals affected with MIPEP-related conditions. ClinVar contains an entry for this variant (Variation ID: 2150437). Invitae Evidence Modeling of protein sequence and biophysical properties (such as structural, functional, and spatial information, amino acid conservation, physicochemical variation, residue mobility, and thermodynamic stability) indicates that this missense variant is not expected to disrupt MIPEP protein function with a negative predictive value of 80%. In summary, the available evidence is currently insufficient to determine the role of this variant in disease. Therefore, it has been classified as a Variant of Uncertain Significance.

NM_005932.4(MIPEP):c.726T>G (p.Phe242Leu)

Gene: MIPEP (mitochondrial intermediate peptidase; minus strand). Cytogenetic location: 13q12.12.
Variant type: single nucleotide variant.
Coding change: c.726T>G on transcript NM_005932.4 (MANE Select); coding-DNA position 726, T replaced by G.
Protein change: p.Phe242Leu; replaces phenylalanine 242 with leucine.
Molecular consequence: missense variant.
Genome position (GRCh38, 1-based): chr13:23,870,073, A>C on the plus strand (T>G on the coding strand, the complement: MIPEP is on the minus strand). VCF-style: chr13-23870073-A-C. GRCh37 (hg19) VCF-style: chr13-24444212-A-C.
Other names: short protein forms F242L.
Identifiers: ClinVar variation 2150437 (VCV002150437.4), dbSNP rs895681641, ClinGen allele CA246683866.